The following is an entry in ClinVar:

NM_004100.5(EYA4):c.811C>G (p.Pro271Ala)

Gene: EYA4 (EYA transcriptional coactivator and phosphatase 4; plus strand). Cytogenetic location: 6q23.2.
Variant type: single nucleotide variant.
Coding change: c.811C>G on transcript NM_004100.5 (MANE Select); coding-DNA position 811, C replaced by G.
Protein change: p.Pro271Ala; replaces proline 271 with alanine.
Molecular consequence: missense variant.
Genome position (GRCh38, 1-based): chr6:133,468,572, C>G. VCF-style: chr6-133468572-C-G. GRCh37 (hg19) VCF-style: chr6-133789710-C-G.
Other names: c.649C>G, p.Pro217Ala (NM_001301012.2, NM_001370459.1); c.811C>G, p.Pro271Ala (NM_001301013.2, NM_172105.4); c.742C>G, p.Pro248Ala (NM_001370458.1, NM_172103.4); short protein forms P271A, P217A, P248A.
Identifiers: ClinVar variation 465990 (VCV000465990.13), dbSNP rs752023028, ClinGen allele CA4008164.
Genomic context (GRCh38, chr6:133,468,572, plus strand): 5'-AGTATTAAAGAGTAATTTCTCTTTCAAACACACACATCTCAATTATTGTTTCAGGATTAT[C>G]CATCCTATACAGCCTTTGGCCAAAACCAGTATGCACAGTATTATTCAGCATCAACGTATG-3'
Protein context (NP_004091.3, residues 261-281): TNFSGSQQDY[Pro271Ala]SYTAFGQNQY

ClinVar aggregate classification (germline): Uncertain significance. Review status: criteria provided, multiple submitters, no conflicts (2 of 4 stars). 3 submissions from 3 submitters: Uncertain significance (3). Last evaluated 2026-01-14.

Conditions:
Cardiovascular phenotype. Identifiers: MedGen CN230736.
Dilated cardiomyopathy 1J (CMD1J). Also called: CARDIOMYOPATHY, DILATED, WITH SENSORINEURAL HEARING LOSS, AUTOSOMAL DOMINANT. Identifiers: Orphanet 217622, MedGen C1854368, MONDO:0011541, OMIM 605362.

Allele frequency attached by ClinVar (database versions not stated): ExAC 0.00001; gnomAD 0.00001; gnomAD exomes 0.00001.
gnomAD v4.1: 20 of 1,608,026 alleles (0.0012%); highest among the groups gnomAD compares: Admixed American, 0.0017%; no homozygotes.

Submissions (3):

Labcorp Genetics (formerly Invitae), Labcorp
Classification: Uncertain significance for Dilated cardiomyopathy 1J. Last evaluated: 2026-01-14. Review status: criteria provided, single submitter. Criteria: Invitae Variant Classification Sherloc (09022015). Collection method: clinical testing. Allele origin: germline.
Comment: This sequence change replaces proline, which is neutral and non-polar, with alanine, which is neutral and non-polar, at codon 271 of the EYA4 protein (p.Pro271Ala). This variant is present in population databases (rs752023028, gnomAD 0.003%). This variant has not been reported in the literature in individuals affected with EYA4-related conditions. ClinVar contains an entry for this variant (Variation ID: 465990). Invitae Evidence Modeling of protein sequence and biophysical properties (such as structural, functional, and spatial information, amino acid conservation, physicochemical variation, residue mobility, and thermodynamic stability) indicates that this missense variant is not expected to disrupt EYA4 protein function with a negative predictive value of 80%. In summary, the available evidence is currently insufficient to determine the role of this variant in disease. Therefore, it has been classified as a Variant of Uncertain Significance.

Ambry Genetics
Classification: Uncertain significance for Cardiovascular phenotype. Last evaluated: 2024-12-20. Review status: criteria provided, single submitter. Criteria: Ambry Variant Classification Scheme 2023. Collection method: clinical testing. Allele origin: germline.
Comment: The p.P271A variant (also known as c.811C>G), located in coding exon 10 of the EYA4 gene, results from a C to G substitution at nucleotide position 811. The proline at codon 271 is replaced by alanine, an amino acid with highly similar properties. This amino acid position is well conserved in available vertebrate species. In addition, the in silico prediction for this alteration is inconclusive. Based on the available evidence, the clinical significance of this variant remains unclear.

Laboratory for Molecular Medicine, Mass General Brigham Personalized Medicine
Classification: Uncertain significance. Last evaluated: 2018-05-18. Review status: criteria provided, single submitter. Criteria: LMM Criteria. Collection method: clinical testing. Allele origin: germline. Observed: 1 variant allele.
Comment: The p.Pro271Ala variant in EYA4 has not been previously reported in individuals with hearing loss but has been identified in 1/33436 of Latino chromosomes by th e Genome Aggregation Database (gnomAD; dbSNP r s752023028) and in ClinVar (Variation ID 465990). Computational prediction tools and conservation analysis suggest that the p.Pro271Ala variant may not impact t he protein, though this information is not predictive enough to rule out pathoge nicity. In summary, the clinical significance of the p.Pro271Ala variant is unce rtain. ACMG/AMP Criteria applied: BP4, PM2.